The following is an entry in ClinVar:

ClinVar aggregate classification (germline): Likely pathogenic (1 of 4 stars; one submission).

gnomAD v4.1: 1 of 1,503,876 alleles (0.000066%); highest among the groups gnomAD compares: Non-Finnish European, 0.000093%; no homozygotes.

Submission:

Labcorp Genetics (formerly Invitae), Labcorp
Classification: Likely pathogenic. Last evaluated: 2024-01-12. Review status: criteria provided, single submitter. Criteria: Invitae Variant Classification Sherloc (09022015). Collection method: clinical testing. Allele origin: germline.
Comment: This sequence change affects a donor splice site in intron 3 of the FOXRED1 gene. It is expected to disrupt RNA splicing. Variants that disrupt the donor or acceptor splice site typically lead to a loss of protein function (PMID: 16199547), and loss-of-function variants in FOXRED1 are known to be pathogenic (PMID: 20818383, 20858599). This variant is not present in population databases (gnomAD no frequency). This variant has not been reported in the literature in individuals affected with FOXRED1-related conditions. Algorithms developed to predict the effect of sequence changes on RNA splicing suggest that this variant may disrupt the consensus splice site. In summary, the currently available evidence indicates that the variant is pathogenic, but additional data are needed to prove that conclusively. Therefore, this variant has been classified as Likely Pathogenic.

Literature cited by the submitters: PubMed 16199547; PubMed 20818383; PubMed 20858599.

NM_017547.4(FOXRED1):c.417+1G>C

Gene: FOXRED1 (FAD dependent oxidoreductase domain containing 1; plus strand). Cytogenetic location: 11q24.2.
Variant type: single nucleotide variant.
Coding change: c.417+1G>C on transcript NM_017547.4 (MANE Select); the canonical splice donor site of the intron after coding-DNA position 417, G replaced by C.
Molecular consequence: splice donor variant.
Genome position (GRCh38, 1-based): chr11:126,273,080, G>C. VCF-style: chr11-126273080-G-C. GRCh37 (hg19) VCF-style: chr11-126142975-G-C.
Identifiers: ClinVar variation 2875319 (VCV002875319.3), dbSNP rs1565353132, ClinGen allele CA383229578.
Genomic context (GRCh38, chr11:126,273,080, plus strand): 5'-TCATTGCCTGAGAACATCCAGCTCTCCCTCTTTTCAGCCAGCTTTCTACGGAACATCAAT[G>C]TAGGTGCAATGATATCCGGGATGTTGGGGTGGTTACCCCTCCTTTAGCCCAGAGTGGGGA-3'